The following is an entry in ClinVar:

ClinVar aggregate classification (germline): Uncertain significance. Review status: criteria provided, multiple submitters, no conflicts (2 of 4 stars). 2 submissions from 2 submitters: Uncertain significance (2). Last evaluated 2025-12-24.

Conditions:
Inborn genetic diseases. Identifiers: MedGen C0950123, MeSH D030342.

gnomAD v4.1: 91 of 1,608,222 alleles (0.0057%); highest among the groups gnomAD compares: Middle Eastern, 0.13%; 1 homozygote.

Submissions (2):

Labcorp Genetics (formerly Invitae), Labcorp
Classification: Uncertain significance. Last evaluated: 2025-12-24. Review status: criteria provided, single submitter. Criteria: Invitae Variant Classification Sherloc (09022015). Collection method: clinical testing. Allele origin: germline.
Comment: This sequence change replaces arginine, which is basic and polar, with cysteine, which is neutral and slightly polar, at codon 329 of the WNK4 protein (p.Arg329Cys). This variant is present in population databases (rs142280606, gnomAD 0.07%), and has an allele count higher than expected for a pathogenic variant. This variant has not been reported in the literature in individuals affected with WNK4-related conditions. ClinVar contains an entry for this variant (Variation ID: 4201963). Experimental studies and prediction algorithms are not available or were not evaluated, and the functional significance of this variant is currently unknown. In summary, the available evidence is currently insufficient to determine the role of this variant in disease. Therefore, it has been classified as a Variant of Uncertain Significance.

Ambry Genetics
Classification: Uncertain significance for Inborn genetic diseases. Last evaluated: 2025-08-24. Review status: criteria provided, single submitter. Criteria: Ambry Variant Classification Scheme 2023. Collection method: clinical testing. Allele origin: germline.

NM_032387.5(WNK4):c.985C>T (p.Arg329Cys)

Genes: WNK4 (WNK lysine deficient protein kinase 4; plus strand), LOC126862568 (CDK7 strongly-dependent group 2 enhancer GRCh37_chr17:40934948-40936147; plus strand). Cytogenetic location: 17q21.2.
Variant type: single nucleotide variant.
Coding change: c.985C>T on transcript NM_032387.5 (MANE Select); coding-DNA position 985, C replaced by T.
Protein change: p.Arg329Cys; replaces arginine 329 with cysteine.
Molecular consequence: missense variant. On other transcripts: synonymous variant (1).
Genome position (GRCh38, 1-based): chr17:42,784,130, C>T. VCF-style: chr17-42784130-C-T. GRCh37 (hg19) VCF-style: chr17-40936148-C-T.
Other names: c.66C>T, p.Ser22= (NM_001321299.2); short protein forms R329C.
Identifiers: ClinVar variation 4201963 (VCV004201963.2).